The following is an entry in ClinVar:

NM_001378454.1(ALMS1):c.9555G>A (p.Met3185Ile)

Gene: ALMS1 (ALMS1 centrosome and basal body associated protein; plus strand). Cytogenetic location: 2p13.1.
Variant type: single nucleotide variant.
Coding change: c.9555G>A on transcript NM_001378454.1 (MANE Select); coding-DNA position 9555, G replaced by A.
Protein change: p.Met3185Ile; replaces methionine 3185 with isoleucine.
Molecular consequence: missense variant.
Genome position (GRCh38, 1-based): chr2:73,519,790, G>A. VCF-style: chr2-73519790-G-A. GRCh37 (hg19) VCF-style: chr2-73746917-G-A.
Other names: c.9558G>A, p.Met3186Ile (NM_015120.4); short protein forms M3186I, M3185I.
Identifiers: ClinVar variation 1905945 (VCV001905945.2), dbSNP rs2466303051, ClinGen allele CA347280755.

ClinVar aggregate classification (germline): Uncertain significance (1 of 4 stars; one submission).

Conditions:
Alstrom syndrome (ALMS). Identifiers: Orphanet 64, MedGen C0268425, MONDO:0008763, OMIM 203800.

Allele frequency attached by ClinVar (database versions not stated): gnomAD exomes 0.00001.

Submission:

Labcorp Genetics (formerly Invitae), Labcorp
Classification: Uncertain significance for Alstrom syndrome. Last evaluated: 2022-05-30. Review status: criteria provided, single submitter. Criteria: Invitae Variant Classification Sherloc (09022015). Collection method: clinical testing. Allele origin: germline.
Comment: This sequence change replaces methionine, which is neutral and non-polar, with isoleucine, which is neutral and non-polar, at codon 3186 of the ALMS1 protein (p.Met3186Ile). This variant is not present in population databases (gnomAD no frequency). This variant has not been reported in the literature in individuals affected with ALMS1-related conditions. Algorithms developed to predict the effect of missense changes on protein structure and function output the following: SIFT: "Not Available"; PolyPhen-2: "Not Available"; Align-GVGD: "Not Available". The isoleucine amino acid residue is found in multiple mammalian species, which suggests that this missense change does not adversely affect protein function. In summary, the available evidence is currently insufficient to determine the role of this variant in disease. Therefore, it has been classified as a Variant of Uncertain Significance.